The following is an entry in ClinVar:

NM_000455.5(STK11):c.376T>C (p.Tyr126His)

Gene: STK11 (serine/threonine kinase 11; plus strand). Cytogenetic location: 19p13.3.
Variant type: single nucleotide variant.
Coding change: c.376T>C on transcript NM_000455.5 (MANE Select); coding-DNA position 376, T replaced by C.
Protein change: p.Tyr126His; replaces tyrosine 126 with histidine.
Molecular consequence: missense variant.
Genome position (GRCh38, 1-based): chr19:1,219,325, T>C. VCF-style: chr19-1219325-T-C. GRCh37 (hg19) VCF-style: chr19-1219324-T-C.
Other names: short protein forms Y126H.
Identifiers: ClinVar variation 140824 (VCV000140824.4), dbSNP rs587781303, ClinGen allele CA022862.

ClinVar aggregate classification (germline): Uncertain significance. Review status: criteria provided, multiple submitters, no conflicts (2 of 4 stars). 2 submissions from 2 submitters: Uncertain significance (2). Last evaluated 2024-05-14.

Conditions:
Hereditary cancer-predisposing syndrome. Also called: Neoplastic Syndromes, Hereditary; Hereditary Cancer Syndrome; Hereditary neoplastic syndrome; Tumor predisposition. Identifiers: Orphanet 140162, MedGen C0027672, MeSH D009386, MONDO:0015356.
Peutz-Jeghers syndrome (PJS). Also called: Peutz-Jeghers polyposis; Periorificial lentiginosis syndrome; POLYPOSIS, HAMARTOMATOUS INTESTINAL; POLYPS-AND-SPOTS SYNDROME. Identifiers: Orphanet 2869, MedGen C0031269, MeSH D010580, MONDO:0008280, OMIM 175200.

Submissions (2):

All of Us Research Program, National Institutes of Health
Classification: Uncertain significance for Peutz-Jeghers syndrome. Last evaluated: 2024-05-14. Review status: criteria provided, single submitter. Criteria: ACMG Guidelines, 2015. Collection method: clinical testing. Allele origin: germline. Inheritance: Autosomal dominant inheritance. Observed: 1 variant allele, 1 heterozygote.
Comment: This missense variant replaces tyrosine with histidine at codon 126 of the STK11 protein. Computational prediction suggests that this variant may have deleterious impact on protein structure and function. To our knowledge, functional studies have not been reported for this variant. This variant has not been reported in individuals affected with STK11-related disorders in the literature. This variant has not been identified in the general population by the Genome Aggregation Database (gnomAD). The available evidence is insufficient to determine the role of this variant in disease conclusively. Therefore, this variant is classified as a Variant of Uncertain Significance.

This study involves interpretation of variants in research participants for the purpose of population health screening. Participant phenotype was not available at the time of variant classification. Additional details can be found in publication PMID: 35346344, PMCID: PMC8962531

Ambry Genetics
Classification: Uncertain significance for Hereditary cancer-predisposing syndrome. Last evaluated: 2013-03-25. Review status: criteria provided, single submitter. Criteria: Ambry Autosomal Dominant and X-Linked criteria (10/2015). Collection method: clinical testing. Allele origin: germline. Observed: 1 variant allele.
Comment: There is insufficient or conflicting evidence for classification of this alteration.